The following is an entry in ClinVar:

NC_000019.9:g.(?_47341704)_(47354023_?)dup

Gene: AP2S1 (adaptor related protein complex 2 subunit sigma 1; minus strand). Cytogenetic location: 19q13.32.
Variant type: Duplication.
Identifiers: ClinVar variation 1447340 (VCV001447340.5).

ClinVar aggregate classification (germline): Uncertain significance (1 of 4 stars; one submission).

Submission:

Labcorp Genetics (formerly Invitae), Labcorp
Classification: Uncertain significance. Last evaluated: 2023-11-11. Review status: criteria provided, single submitter. Criteria: Invitae Variant Classification Sherloc (09022015). Collection method: clinical testing. Allele origin: germline.
Comment: A copy number gain of the genomic region encompassing the full coding sequence of the AP2S1 gene has been identified. The boundaries of this event are unknown as they extend beyond the assayed region for this gene and therefore may encompass additional genes. As the precise location of this event is unknown, it may be in tandem or it may be located elsewhere in the genome. This variant has not been reported in the literature in individuals affected with AP2S1-related conditions. Experimental studies and prediction algorithms are not available or were not evaluated, and the functional significance of this variant is currently unknown. In summary, the available evidence is currently insufficient to determine the role of this variant in disease. Therefore, it has been classified as a Variant of Uncertain Significance.